The following is an entry in ClinVar:

NM_032564.5(DGAT2):c.1034C>T (p.Pro345Leu)

Gene: DGAT2 (diacylglycerol O-acyltransferase 2; plus strand). Cytogenetic location: 11q13.5.
Variant type: single nucleotide variant.
Coding change: c.1034C>T on transcript NM_032564.5 (MANE Select); coding-DNA position 1034, C replaced by T.
Protein change: p.Pro345Leu; replaces proline 345 with leucine.
Molecular consequence: missense variant.
Genome position (GRCh38, 1-based): chr11:75,800,375, C>T. VCF-style: chr11-75800375-C-T. GRCh37 (hg19) VCF-style: chr11-75511420-C-T.
Other names: p.Pro345Leu; c.905C>T, p.Pro302Leu (NM_001253891.2); short protein forms P345L, P302L.
Identifiers: ClinVar variation 2588905 (VCV002588905.3), dbSNP rs138423103, ClinGen allele CA6192200.
Genomic context (GRCh38, chr11:75,800,375, plus strand): 5'-GGTGTTGACTAACCAGAAGCCTCTGCCCTGTCCCTGCAGTGGGAGAGCCCATCACCATCC[C>T]CAAGCTGGAGCACCCAACCCAGCAAGACATCGACCTGTACCACACCATGTACATGGAGGC-3'
Protein context (NP_115953.2, residues 335-355): TTVVGEPITI[Pro345Leu]KLEHPTQQDI

ClinVar aggregate classification (germline): Conflicting classifications of pathogenicity. Review status: criteria provided, conflicting classifications (1 of 4 stars). 2 submissions from 2 submitters: Uncertain significance (1); Benign (1). Last evaluated 2024-08-13.

Allele frequency attached by ClinVar (database versions not stated): TOPMed 0.00016; gnomAD 0.00019; ESP Exome Variant Server 0.00039; ExAC 0.00050; gnomAD exomes 0.00066.
gnomAD v4.1: 971 of 1,614,040 alleles (0.06%); highest among the groups gnomAD compares: Non-Finnish European, 0.078%; no homozygotes.

Submissions (2):

Mayo Clinic Laboratories, Mayo Clinic
Classification: Benign. Last evaluated: 2024-08-13. Review status: criteria provided, single submitter. Criteria: ACMG Guidelines, 2015. Collection method: clinical testing. Allele origin: germline. Observed: 2 variant alleles.
Comment: BS1, BS2

Ambry Genetics
Classification: Uncertain significance. Last evaluated: 2023-07-10. Review status: criteria provided, single submitter. Criteria: Ambry Variant Classification Scheme 2023. Collection method: clinical testing. Allele origin: germline.